The following is an entry in ClinVar:

ClinVar aggregate classification (germline): Uncertain significance (1 of 4 stars; one submission).

Submission:

Clinical Genomics Laboratory, Washington University in St. Louis
Classification: Uncertain significance. Last evaluated: 2023-11-26. Review status: criteria provided, single submitter. Criteria: ACMG Guidelines, 2015. Collection method: clinical testing. Allele origin: germline.
Comment: The TIE1 c.3346-1G>C variant, to our knowledge, has not been reported in the medical literature and is absent from the general population (gnomAD v.2.1.1), indicating it is not a common variant. This variant occurs within the canonical splice acceptor site of the terminal exon, so although this is predicted result in incorrect splicing, the resulting effect on the gene product, if any, is uncertain. The C terminus encodes the protein kinase domain and the terminal exon includes 2% of the total protein length. Due to limited information, the clinical significance of this variant is uncertain.

NM_005424.5(TIE1):c.3346-1G>C

Gene: TIE1 (tyrosine kinase with immunoglobulin like and EGF like domains 1; plus strand). Cytogenetic location: 1p34.2.
Variant type: single nucleotide variant.
Coding change: c.3346-1G>C on transcript NM_005424.5 (MANE Select); the canonical splice acceptor site of the intron before coding-DNA position 3346, G replaced by C.
Molecular consequence: splice acceptor variant.
Genome position (GRCh38, 1-based): chr1:43,322,650, G>C. VCF-style: chr1-43322650-G-C. GRCh37 (hg19) VCF-style: chr1-43788321-G-C.
Other names: c.3211-1G>C (NM_001253357.2).
Identifiers: ClinVar variation 3236564 (VCV003236564.1), dbSNP rs2545662050, ClinGen allele CA339968526.